The following is an entry in ClinVar:

ClinVar aggregate classification (germline): Conflicting classifications of pathogenicity. Review status: criteria provided, conflicting classifications (1 of 4 stars). 7 submissions from 7 submitters: Uncertain significance (3); Benign (1); Likely benign (3). Last evaluated 2026-08-01.

Conditions:
BRCA1-related disorder. Also called: BRCA1-related condition.
Hereditary breast ovarian cancer syndrome. Also called: Hereditary breast and/or ovarian cancer syndrome; Breast and ovarian cancer; Hereditary breast and ovarian cancer syndrome; Hereditary breast and ovarian cancer syndrome (HBOC); BRCA1- and BRCA2-Associated Hereditary Breast and Ovarian Cancer; Hereditary breast and ovarian cancer. Identifiers: Orphanet 145, MedGen C0677776, MeSH D061325, MONDO:0003582. Disease mechanism: loss of function.
Pilocytic astrocytoma. Also called: Pilocytic astrocytoma, somatic. Identifiers: Orphanet 251612, MedGen C0334583, MONDO:0016691, HP:0033680.
Breast-ovarian cancer, familial, susceptibility to, 1 (BROVCA1). Also called: OVARIAN CANCER, SUSCEPTIBILITY TO; BRCA1 Hereditary Breast and Ovarian Cancer. Identifiers: Orphanet 145, MedGen C2676676, MONDO:0011450, OMIM 604370. Disease mechanism: loss of function.
Hereditary cancer-predisposing syndrome. Also called: Hereditary Cancer Syndrome; Neoplastic Syndromes, Hereditary; Hereditary neoplastic syndrome; Tumor predisposition. Identifiers: Orphanet 140162, MedGen C0027672, MeSH D009386, MONDO:0015356.

Allele frequency attached by ClinVar (database versions not stated): gnomAD exomes 0.00005 and 0.00007; ExAC 0.00007; gnomAD 0.00010 and 0.00011; ESP Exome Variant Server 0.00017; TOPMed 0.00021.
gnomAD v4.1: 88 of 1,594,320 alleles (0.0055%); highest among the groups gnomAD compares: African/African-American, 0.029%; no homozygotes.

Submissions (7):

CeGaT Center for Human Genetics Tuebingen
Classification: Likely benign. Last evaluated: 2026-08-01. Review status: criteria provided, single submitter. Criteria: CeGaT Center For Human Genetics Tuebingen Variant Classification Criteria Version 2. Collection method: clinical testing. Allele origin: germline. Affected: yes. Observed: 1 variant allele.
Comment: BRCA1: BP1, BP4

Dasa
Classification: Benign for Breast-ovarian cancer, familial, susceptibility to, 1. Last evaluated: 2026-03-31. Review status: criteria provided, single submitter. Criteria: DASA Assertion Criteria. Collection method: clinical testing. Allele origin: germline.
Comment: NM_007300.4(BRCA1):c.4418T>C (p.Ile1473Thr) is a missense variant that results in the substitution of isoleucine with threonine. Population frequency is inconsistent with a disease-causing role for this variant, and the variant context is inconsistent with a known disease-causing mechanism. Therefore, based on the currently available evidence, this variant is classified as benign.

Blueprint Genetics
Classification: Likely benign. Last evaluated: 2024-11-26. Review status: criteria provided, single submitter. Criteria: ACMG Guidelines, 2015. Collection method: clinical testing. Allele origin: germline.

PreventionGenetics, part of Exact Sciences
Classification: Uncertain significance for BRCA1-related condition. Last evaluated: 2024-11-18. Review status: criteria provided, single submitter. Criteria: ACMG Guidelines, 2015. Collection method: clinical testing. Allele origin: germline.
Comment: The BRCA1 c.4418T>C variant is predicted to result in the amino acid substitution p.Ile1473Thr. To our knowledge, this variant has not been reported in the literature. This variant is reported in 0.027% of alleles in individuals of African descent in gnomAD, which may be too common to be a primary cause of disease. This variant has conflicting interpretations in ClinVar ranging from likely benign to uncertain. Although we suspect that this variant may be benign, at this time, the clinical significance of this variant is uncertain due to the absence of conclusive functional and genetic evidence.

Mendelics
Classification: Uncertain significance for Hereditary breast and ovarian cancer syndrome. Last evaluated: 2018-07-02. Review status: criteria provided, single submitter. Criteria: Mendelics Assertion Criteria 2017. Collection method: clinical testing. Allele origin: unknown.

Institute for Biomarker Research, Medical Diagnostic Laboratories, L.L.C.
Classification: Likely benign for Hereditary cancer-predisposing syndrome. Last evaluated: 2018-01-16. Review status: criteria provided, single submitter. Criteria: ACMG Guidelines, 2015. Collection method: clinical testing. Allele origin: germline.

Laboratory of Medical Genetics Unit, Bambino Gesù Children's Hospital
Classification: Uncertain significance for Pilocytic astrocytoma. Review status: criteria provided, single submitter. Criteria: ACMG Guidelines, 2015. Collection method: research. Allele origin: germline. Affected: yes.
Comment: The variant BRCA1 (NM_080473.4): c.4418T>C (p.Ile1473Thr) is rare in GnomAD and it is not reported in literatute. It is annotated on Clinvar as VUS/likely benign associated with Hereditary Breast Ovarian Cancer Syndrome [RCV000709469] and Hereditary Cancer-predisposing Syndrome [RCV000627118]. It is classified as VUS according to the ACMG criteria (PM2 and BP6).

NM_007294.4(BRCA1):c.4358-2725T>C

Gene: BRCA1 (BRCA1 DNA repair associated; minus strand). Cytogenetic location: 17q21.31.
Variant type: single nucleotide variant.
Coding change: c.4358-2725T>C on transcript NM_007294.4 (MANE Select); 2725 bases into the intron before coding-DNA position 4358, T replaced by C.
Molecular consequence: intron variant. On other transcripts: missense variant (17).
Genome position (GRCh38, 1-based): chr17:43,079,339, A>G on the plus strand (T>C on the coding strand, the complement: BRCA1 is on the minus strand). VCF-style: chr17-43079339-A-G. GRCh37 (hg19) VCF-style: chr17-41231356-A-G.
Other names: c.4418T>C, p.Ile1473Thr (NM_001407581.1, NM_001407582.1, NM_001407583.1 and 2 more transcripts); c.4415T>C, p.Ile1472Thr (NM_001407587.1, NM_001407590.1, NM_001407591.1); c.4295T>C, p.Ile1432Thr (NM_001407648.1); c.4292T>C, p.Ile1431Thr (NM_001407649.1); c.4205T>C, p.Ile1402Thr (NM_001407853.1); c.1109T>C, p.Ile370Thr (NM_001407970.1, NM_001407971.1); c.1106T>C, p.Ile369Thr (NM_001407972.1); c.1031T>C, p.Ile344Thr (NM_001408409.1); and 99 more; short protein forms I1473T, I1432T, I323T, I369T, I1402T, I1472T, I259T, I1431T.
Identifiers: ClinVar variation 523689 (VCV000523689.10), dbSNP rs374519494, ClinGen allele CA060047.